The following is an entry in ClinVar:

NM_000875.5(IGF1R):c.991G>A (p.Val331Ile)

Genes: IGF1R (insulin like growth factor 1 receptor; plus strand), LOC126862245 (P300/CBP strongly-dependent group 1 enhancer GRCh37_chr15:99439536-99440735; plus strand). Cytogenetic location: 15q26.3.
Variant type: single nucleotide variant.
Coding change: c.991G>A on transcript NM_000875.5 (MANE Select); coding-DNA position 991, G replaced by A.
Protein change: p.Val331Ile; replaces valine 331 with isoleucine.
Molecular consequence: missense variant.
Genome position (GRCh38, 1-based): chr15:98,896,794, G>A. VCF-style: chr15-98896794-G-A. GRCh37 (hg19) VCF-style: chr15-99440023-G-A.
Other names: c.991G>A, p.Val331Ile (NM_001291858.2); short protein forms V331I.
Identifiers: ClinVar variation 2711775 (VCV002711775.10), dbSNP rs769313679, ClinGen allele CA7751988.
Genomic context (GRCh38, chr15:98,896,794, plus strand): 5'-ATTTTTTTTTTCTTCTTCAACAGCATGTACTGCATCCCTTGTGAAGGTCCTTGCCCGAAG[G>A]TCTGTGAGGAAGAAAAGAAAACAAAGACCATTGATTCTGTTACTTCTGCTCAGATGCTCC-3'
Protein context (NP_000866.1, residues 321-341): CIPCEGPCPK[Val331Ile]CEEEKKTKTI

ClinVar aggregate classification (germline): Uncertain significance. Review status: criteria provided, multiple submitters, no conflicts (2 of 4 stars). 2 submissions from 2 submitters: Uncertain significance (2). Last evaluated 2025-09-01.

Allele frequency attached by ClinVar (database versions not stated): TOPMed below 0.00001; ExAC 0.00001.
gnomAD v4.1: 32 of 1,613,994 alleles (0.002%); highest among the groups gnomAD compares: Admixed American, 0.005%; no homozygotes.

Submissions (2):

CeGaT Center for Human Genetics Tuebingen
Classification: Uncertain significance. Last evaluated: 2025-09-01. Review status: criteria provided, single submitter. Criteria: CeGaT Center For Human Genetics Tuebingen Variant Classification Criteria Version 2. Collection method: clinical testing. Allele origin: germline. Affected: yes. Observed: 1 variant allele.
Comment: IGF1R: PM2, BP4

Labcorp Genetics (formerly Invitae), Labcorp
Classification: Uncertain significance. Last evaluated: 2023-04-09. Review status: criteria provided, single submitter. Criteria: Invitae Variant Classification Sherloc (09022015). Collection method: clinical testing. Allele origin: germline.
Comment: In summary, the available evidence is currently insufficient to determine the role of this variant in disease. Therefore, it has been classified as a Variant of Uncertain Significance. Advanced modeling of protein sequence and biophysical properties (such as structural, functional, and spatial information, amino acid conservation, physicochemical variation, residue mobility, and thermodynamic stability) performed at Invitae indicates that this missense variant is not expected to disrupt IGF1R protein function. This variant has not been reported in the literature in individuals affected with IGF1R-related conditions. This variant is present in population databases (rs769313679, gnomAD 0.006%). This sequence change replaces valine, which is neutral and non-polar, with isoleucine, which is neutral and non-polar, at codon 331 of the IGF1R protein (p.Val331Ile).